The following is an entry in ClinVar:

NM_000760.4(CSF3R):c.2132C>T (p.Ser711Phe)

Gene: CSF3R (colony stimulating factor 3 receptor; minus strand). Cytogenetic location: 1p34.3.
Variant type: single nucleotide variant.
Coding change: c.2132C>T on transcript NM_000760.4 (MANE Select); coding-DNA position 2132, C replaced by T.
Protein change: p.Ser711Phe; replaces serine 711 with phenylalanine.
Molecular consequence: missense variant.
Genome position (GRCh38, 1-based): chr1:36,466,736, G>A on the plus strand (C>T on the coding strand, the complement: CSF3R is on the minus strand). VCF-style: chr1-36466736-G-A. GRCh37 (hg19) VCF-style: chr1-36932337-G-A.
Other names: c.2213C>T, p.Ser738Phe (NM_156039.3); c.2132C>T, p.Ser711Phe (NM_172313.3); c.2132C>T (NM_000760.3); short protein forms S711F, S738F.
Identifiers: ClinVar variation 1368378 (VCV001368378.9), dbSNP rs778281149, ClinGen allele CA768943.
Genomic context (GRCh38, chr1:36,466,736, plus strand): 5'-CCCTGGAGCACATAGGTCTGGACCAGAGTGGGGAGGCCACAGGTCTCTGAGCTGTTATGG[G>A]ACTCCCAGGGCACCGGCTTCTTTTCATCCTCCTCCAGCACTGTGAGCTTGGTGATGGGTG-3'
Protein context (NP_000751.1, residues 701-721): EDEKKPVPWE[Ser711Phe]HNSSETCGLP

ClinVar aggregate classification (germline): Uncertain significance. Review status: criteria provided, multiple submitters, no conflicts (2 of 4 stars). 2 submissions from 2 submitters: Uncertain significance (2). Last evaluated 2023-08-04.

Conditions:
Autosomal recessive severe congenital neutropenia due to CSF3R deficiency. Also called: Neutropenia, severe congenital, 7, autosomal recessive. Identifiers: Orphanet 420702, MedGen C4310764, MONDO:0014865, OMIM 617014.
Inborn genetic diseases. Identifiers: MedGen C0950123, MeSH D030342.

Allele frequency attached by ClinVar (database versions not stated): TOPMed below 0.00001; gnomAD exomes 0.00001 and 0.00002; ExAC 0.00002.

Submissions (2):

Labcorp Genetics (formerly Invitae), Labcorp
Classification: Uncertain significance for Autosomal recessive severe congenital neutropenia due to CSF3R deficiency. Last evaluated: 2023-08-04. Review status: criteria provided, single submitter. Criteria: Invitae Variant Classification Sherloc (09022015). Collection method: clinical testing. Allele origin: germline.
Comment: In summary, the available evidence is currently insufficient to determine the role of this variant in disease. Therefore, it has been classified as a Variant of Uncertain Significance. Advanced modeling of protein sequence and biophysical properties (such as structural, functional, and spatial information, amino acid conservation, physicochemical variation, residue mobility, and thermodynamic stability) has been performed at Invitae for this missense variant, however the output from this modeling did not meet the statistical confidence thresholds required to predict the impact of this variant on CSF3R protein function. ClinVar contains an entry for this variant (Variation ID: 1368378). This variant has not been reported in the literature in individuals affected with CSF3R-related conditions. This variant is present in population databases (rs778281149, gnomAD 0.02%). This sequence change replaces serine, which is neutral and polar, with phenylalanine, which is neutral and non-polar, at codon 711 of the CSF3R protein (p.Ser711Phe).

Ambry Genetics
Classification: Uncertain significance for Inborn genetic diseases. Last evaluated: 2023-07-19. Review status: criteria provided, single submitter. Criteria: Ambry Variant Classification Scheme 2023. Collection method: clinical testing. Allele origin: germline.